The following is an entry in ClinVar:

ClinVar aggregate classification (germline): Uncertain significance (1 of 4 stars; one submission).

Conditions:
Neuropathy, hereditary sensory, type 2C. Also called: KIF1A-Related HSAN2 (HSAN2C); Hereditary sensory and autonomic neuropathy type IIC. Identifiers: Orphanet 970, MedGen C3280168, MONDO:0013634, OMIM 614213.
Hereditary spastic paraplegia 30. Identifiers: Orphanet 101010, MedGen C5235139, MONDO:0012476.
Intellectual disability, autosomal dominant 9 (NESCAVS). Also called: KIF1A-Related Neurodevelopmental Disorder; NESCAV SYNDROME. Identifiers: Orphanet 662367, MedGen C5393830, MONDO:0013656, OMIM 614255.

gnomAD v4.1: 1 of 1,530,882 alleles (0.000065%); highest among the groups gnomAD compares: Non-Finnish European, 0.000088%; no homozygotes.

Submission:

Labcorp Genetics (formerly Invitae), Labcorp
Classification: Uncertain significance for Hereditary spastic paraplegia 30; Neuropathy, hereditary sensory, type 2C; Intellectual disability, autosomal dominant 9. Last evaluated: 2025-03-11. Review status: criteria provided, single submitter. Criteria: Invitae Variant Classification Sherloc (09022015). Collection method: clinical testing. Allele origin: germline.
Comment: This sequence change replaces threonine, which is neutral and polar, with isoleucine, which is neutral and non-polar, at codon 657 of the KIF1A protein (p.Thr657Ile). This variant is not present in population databases (gnomAD no frequency). This variant has not been reported in the literature in individuals affected with KIF1A-related conditions. Invitae Evidence Modeling of protein sequence and biophysical properties (such as structural, functional, and spatial information, amino acid conservation, physicochemical variation, residue mobility, and thermodynamic stability) has been performed for this missense variant. However, the output from this modeling did not meet the statistical confidence thresholds required to predict the impact of this variant on KIF1A protein function. In summary, the available evidence is currently insufficient to determine the role of this variant in disease. Therefore, it has been classified as a Variant of Uncertain Significance.

NM_001244008.2(KIF1A):c.1997C>T (p.Thr666Ile)

Gene: KIF1A (kinesin family member 1A; minus strand). Cytogenetic location: 2q37.3.
Variant type: single nucleotide variant.
Coding change: c.1997C>T on transcript NM_001244008.2 (MANE Select); coding-DNA position 1997, C replaced by T.
Protein change: p.Thr666Ile; replaces threonine 666 with isoleucine.
Molecular consequence: missense variant.
Genome position (GRCh38, 1-based): chr2:240,763,044, G>A on the plus strand (C>T on the coding strand, the complement: KIF1A is on the minus strand). VCF-style: chr2-240763044-G-A. GRCh37 (hg19) VCF-style: chr2-241702461-G-A.
Other names: c.1997C>T, p.Thr666Ile (NM_001320705.2, NM_001330289.2, NM_001379638.1); c.2072C>T, p.Thr691Ile (NM_001330290.2, NM_001379631.1, NM_001379634.1 and 2 more transcripts); c.1970C>T, p.Thr657Ile (NM_001379632.1, NM_001379633.1, NM_001379636.1 and 10 more transcripts); c.2045C>T, p.Thr682Ile (NM_001379637.1, NM_001379648.1); short protein forms T682I, T691I, T657I, T666I.
Identifiers: ClinVar variation 4789379 (VCV004789379.1).